The following is an entry in ClinVar:

ClinVar aggregate classification (germline): Benign/Likely benign. Review status: criteria provided, multiple submitters, no conflicts (2 of 4 stars). 8 submissions from 8 submitters: Benign (3); Likely benign (3). 2 of the submissions do not count toward it. Last evaluated 2026-07-01.

Allele frequency attached by ClinVar (database versions not stated): 1000 Genomes Project 0.00160; 1000 Genomes Project 30x 0.00172; gnomAD 0.00206 and 0.00212; ESP Exome Variant Server 0.00208; gnomAD exomes 0.00218 and 0.00252; TOPMed 0.00221; ExAC 0.00240.
gnomAD v4.1: 3,912 of 1,600,646 alleles (0.24%); highest among the groups gnomAD compares: Admixed American, 0.31%; 9 homozygotes.

Submissions (8):

CeGaT Center for Human Genetics Tuebingen
Classification: Likely benign. Last evaluated: 2026-07-01. Review status: criteria provided, single submitter. Criteria: CeGaT Center For Human Genetics Tuebingen Variant Classification Criteria Version 2. Collection method: clinical testing. Allele origin: germline. Affected: yes. Observed: 19 variant alleles.
Comment: SPTBN2: BP4, BP7

Labcorp Genetics (formerly Invitae), Labcorp
Classification: Benign. Last evaluated: 2026-02-01. Review status: criteria provided, single submitter. Criteria: Invitae Variant Classification Sherloc (09022015). Collection method: clinical testing. Allele origin: germline.

Mayo Clinic Laboratories, Mayo Clinic
Classification: Benign. Last evaluated: 2025-06-04. Review status: criteria provided, single submitter. Criteria: ACMG Guidelines, 2015. Collection method: clinical testing. Allele origin: germline. Observed: 8 variant alleles.
Comment: BS1, BS2, BP4, BP7

Blueprint Genetics
Classification: Likely benign. Last evaluated: 2024-11-18. Review status: criteria provided, single submitter. Criteria: ACMG Guidelines, 2015. Collection method: clinical testing. Allele origin: germline.

Athena Diagnostics
Classification: Benign. Last evaluated: 2024-01-05. Review status: criteria provided, single submitter. Criteria: Athena Diagnostics Criteria. Collection method: clinical testing. Allele origin: unknown.

Breakthrough Genomics
Classification: Likely benign. Review status: criteria provided, single submitter. Criteria: ACMG Guidelines, 2015. Collection method: not provided. Allele origin: germline. Inheritance: Autosomal recessive inheritance. Affected: yes.

Clinical Genetics DNA and cytogenetics Diagnostics Lab, Erasmus MC, Erasmus Medical Center
Classification: Likely benign. Review status: no assertion criteria provided. Collection method: clinical testing. Allele origin: germline. Affected: yes. Study: VKGL Data-share Consensus. Not counted in ClinVar's aggregate classification.

Genome Diagnostics Laboratory, University Medical Center Utrecht
Classification: Benign. Review status: no assertion criteria provided. Collection method: clinical testing. Allele origin: germline. Affected: yes. Study: VKGL Data-share Consensus. Not counted in ClinVar's aggregate classification.

NM_006946.4(SPTBN2):c.1221C>T (p.His407=)

Gene: SPTBN2 (spectrin beta, non-erythrocytic 2; minus strand). Cytogenetic location: 11q13.2.
Variant type: single nucleotide variant.
Coding change: c.1221C>T on transcript NM_006946.4 (MANE Select); coding-DNA position 1221, C replaced by T.
Protein change: p.His407=; no amino-acid change (histidine 407 retained).
Molecular consequence: synonymous variant.
Genome position (GRCh38, 1-based): chr11:66,708,270, G>A on the plus strand (C>T on the coding strand, the complement: SPTBN2 is on the minus strand). VCF-style: chr11-66708270-G-A. GRCh37 (hg19) VCF-style: chr11-66475741-G-A.
Other names: p.His407=; c.1221C>T (NM_006946.3).
Identifiers: ClinVar variation 305590 (VCV000305590.46), dbSNP rs143596433, ClinGen allele CA6129433.